The following is an entry in ClinVar:

NM_000264.5(PTCH1):c.2051A>G (p.Glu684Gly)

Genes: PTCH1 (patched 1; minus strand), LOC100507346 (uncharacterized LOC100507346; plus strand). Cytogenetic location: 9q22.32.
Variant type: single nucleotide variant.
Coding change: c.2051A>G on transcript NM_000264.5 (MANE Select); coding-DNA position 2051, A replaced by G.
Protein change: p.Glu684Gly; replaces glutamic acid 684 with glycine.
Molecular consequence: missense variant. On other transcripts: non-coding transcript variant (2).
Genome position (GRCh38, 1-based): chr9:95,468,950, T>C on the plus strand (A>G on the coding strand, the complement: PTCH1 is on the minus strand). VCF-style: chr9-95468950-T-C. GRCh37 (hg19) VCF-style: chr9-98231232-T-C.
Other names: c.1853A>G, p.Glu618Gly (NM_001083602.3); c.2048A>G, p.Glu683Gly (NM_001083603.3); c.1598A>G, p.Glu533Gly (NM_001083604.3, NM_001083605.3, NM_001083606.3 and 1 more transcripts); c.1895A>G, p.Glu632Gly (NM_001354918.2); short protein forms E533G, E683G, E618G, E632G, E684G.
Identifiers: ClinVar variation 2452564 (VCV002452564.2), dbSNP rs2118042278, ClinGen allele CA374115761.

ClinVar aggregate classification (germline): Uncertain significance (1 of 4 stars; one submission).

Conditions:
Hereditary cancer-predisposing syndrome. Also called: Neoplastic Syndromes, Hereditary; Tumor predisposition; Hereditary neoplastic syndrome; Hereditary Cancer Syndrome. Identifiers: Orphanet 140162, MedGen C0027672, MeSH D009386, MONDO:0015356.

Submission:

Ambry Genetics
Classification: Uncertain significance for Hereditary cancer-predisposing syndrome. Last evaluated: 2022-12-04. Review status: criteria provided, single submitter. Criteria: Ambry Variant Classification Scheme 2023. Collection method: clinical testing. Allele origin: germline.
Comment: The p.E684G variant (also known as c.2051A>G), located in coding exon 14 of the PTCH1 gene, results from an A to G substitution at nucleotide position 2051. The glutamic acid at codon 684 is replaced by glycine, an amino acid with similar properties. This amino acid position is conserved. In addition, the in silico prediction for this alteration is inconclusive. Since supporting evidence is limited at this time, the clinical significance of this alteration remains unclear.